The following is an entry in ClinVar:

NM_001754.5(RUNX1):c.1388C>T (p.Pro463Leu)

Gene: RUNX1 (RUNX family transcription factor 1; minus strand). Cytogenetic location: 21q22.12.
Variant type: single nucleotide variant.
Coding change: c.1388C>T on transcript NM_001754.5 (MANE Select); coding-DNA position 1388, C replaced by T.
Protein change: p.Pro463Leu; replaces proline 463 with leucine.
Molecular consequence: missense variant.
Genome position (GRCh38, 1-based): chr21:34,792,190, G>A on the plus strand (C>T on the coding strand, the complement: RUNX1 is on the minus strand). VCF-style: chr21-34792190-G-A. GRCh37 (hg19) VCF-style: chr21-36164487-G-A.
Other names: NM_001754.5(RUNX1):c.1388C>T; p.Pro463Leu; c.1307C>T, p.Pro436Leu (NM_001001890.3); short protein forms P436L, P463L.
Identifiers: ClinVar variation 650005 (VCV000650005.10), dbSNP rs1601332036, ClinGen allele CA410146940.

ClinVar aggregate classification (germline): Uncertain significance. Review status: reviewed by expert panel (3 of 4 stars). 3 submissions from 3 submitters: Uncertain significance (1). 2 of the submissions do not count toward it. Last evaluated 2024-10-29.

Conditions:
Hereditary thrombocytopenia and hematologic cancer predisposition syndrome. Identifiers: Orphanet 71290, MedGen CN281654, MONDO:0011071.
Inborn genetic diseases. Identifiers: MedGen C0950123, MeSH D030342.
Hereditary thrombocytopenia and hematological cancer predisposition syndrome associated with RUNX1. Also called: Familial Platelet Disorder with Propensity to Acute Myelogenous Leukemia; Familial thrombocytopenia with propensity to acute myelogenous leukemia; RUNX1 Familial Platelet Disorder with Associated Myeloid Malignancies; PLATELET DISORDER, ASPIRIN-LIKE. Identifiers: Orphanet 71290, MedGen C1832388, MeSH C563324, MONDO:0100083, OMIM 601399.

Submissions (3):

ClinGen Myeloid Malignancy Variant Curation Expert Panel
Classification: Uncertain significance for Hereditary thrombocytopenia and hematologic cancer predisposition syndrome. Last evaluated: 2024-10-29. Review status: reviewed by expert panel. Criteria: ClinGen MyeloMalig ACMG Specifications v2. Collection method: curation. Allele origin: germline. Inheritance: Autosomal dominant inheritance.
Comment: NM_001754.5(RUNX1):c.1388C>T (p.Pro463Leu) is a missense variant which is completely absent from all population databases with at least 20x coverage for RUNX1 (PM2_Supporting). In summary, the clinical significance of this variant is uncertain. ACMG/AMP criteria applied, as specified by the Myeloid Malignancy Variant Curation Expert Panel for RUNX1: PM2_Supporting.

Ambry Genetics
Classification: Uncertain significance for Inborn genetic diseases. Last evaluated: 2024-11-23. Review status: criteria provided, single submitter. Criteria: Ambry Variant Classification Scheme 2023. Collection method: clinical testing. Allele origin: germline. Not counted in ClinVar's aggregate classification.
Comment: The p.P463L variant (also known as c.1388C>T), located in coding exon 8 of the RUNX1 gene, results from a C to T substitution at nucleotide position 1388. The proline at codon 463 is replaced by leucine, an amino acid with similar properties. This amino acid position is conserved. In addition, the in silico prediction for this alteration is inconclusive. Based on the available evidence, the clinical significance of this variant remains unclear.

Labcorp Genetics (formerly Invitae), Labcorp
Classification: Uncertain significance for Hereditary thrombocytopenia and hematological cancer predisposition syndrome associated with RUNX1. Last evaluated: 2018-10-14. Review status: criteria provided, single submitter. Criteria: Invitae Variant Classification Sherloc (09022015). Collection method: clinical testing. Allele origin: germline. Not counted in ClinVar's aggregate classification.
Comment: In summary, the available evidence is currently insufficient to determine the role of this variant in disease. Therefore, it has been classified as a Variant of Uncertain Significance. Algorithms developed to predict the effect of missense changes on protein structure and function are either unavailable or do not agree on the potential impact of this missense change (SIFT: "Tolerated"; PolyPhen-2: "Probably Damaging"; Align-GVGD: "Class C0"). This variant has not been reported in the literature in individuals with RUNX1-related disease. The frequency data for this variant in the population databases is considered unreliable, as metrics indicate insufficient coverage at this position in the ExAC database. This sequence change replaces proline with leucine at codon 463 of the RUNX1 protein (p.Pro463Leu). The proline residue is highly conserved and there is a moderate physicochemical difference between proline and leucine.